The following is an entry in ClinVar:

NM_002804.5(PSMC3):c.1049G>A (p.Arg350His)

Gene: PSMC3 (proteasome 26S subunit, ATPase 3; minus strand). Cytogenetic location: 11p11.2.
Variant type: single nucleotide variant.
Coding change: c.1049G>A on transcript NM_002804.5 (MANE Select); coding-DNA position 1049, G replaced by A.
Protein change: p.Arg350His; replaces arginine 350 with histidine.
Molecular consequence: missense variant.
Genome position (GRCh38, 1-based): chr11:47,420,342, C>T on the plus strand (G>A on the coding strand, the complement: PSMC3 is on the minus strand). VCF-style: chr11-47420342-C-T. GRCh37 (hg19) VCF-style: chr11-47441893-C-T.
Other names: short protein forms R350H.
Identifiers: ClinVar variation 5027411 (VCV005027411.1).

ClinVar aggregate classification (germline): Uncertain significance (1 of 4 stars; one submission).

Conditions:
Inborn genetic diseases. Identifiers: MedGen C0950123, MeSH D030342.

gnomAD v4.1: 4 of 1,614,162 alleles (0.00025%); highest among the groups gnomAD compares: Non-Finnish European, 0.00034%; no homozygotes.

Submission:

Ambry Genetics
Classification: Uncertain significance for Inborn genetic diseases. Last evaluated: 2026-08-13. Review status: criteria provided, single submitter. Criteria: Ambry Variant Classification Scheme 2023. Collection method: clinical testing. Allele origin: germline.
Comment: The c.1049G>A (p.R350H) alteration is located in exon 10 (coding exon 10) of the PSMC3 gene. This alteration results from a G to A substitution at nucleotide position 1049, causing the arginine (R) at amino acid position 350 to be replaced by a histidine (H). Based on data from gnomAD, the A allele has an overall frequency of <0.001% (1/251224) total alleles studied. The highest observed frequency was 0.001% (1/113596) of European (non-Finnish) alleles. Based on insufficient or conflicting evidence, the clinical significance of this alteration remains unclear.